The following is an entry in ClinVar:

ClinVar aggregate classification (germline): Conflicting classifications of pathogenicity. Review status: criteria provided, conflicting classifications (1 of 4 stars). 3 submissions from 3 submitters: Uncertain significance (2); Likely benign (1). Last evaluated 2023-05-16.

Conditions:
Cardiovascular phenotype. Identifiers: MedGen CN230736.

Allele frequency attached by ClinVar (database versions not stated): ExAC 0.00001; gnomAD 0.00001 and 0.00002; gnomAD exomes 0.00002; TOPMed 0.00002; 1000 Genomes Project 0.00020; 1000 Genomes Project 30x 0.00047.
gnomAD v4.1: 28 of 1,613,614 alleles (0.0017%); highest among the groups gnomAD compares: East Asian, 0.062%; no homozygotes.

Submissions (3):

Women's Health and Genetics/Laboratory Corporation of America, LabCorp
Classification: Uncertain significance. Last evaluated: 2023-05-16. Review status: criteria provided, single submitter. Criteria: LabCorp Variant Classification Summary - May 2015. Collection method: clinical testing. Allele origin: germline.
Comment: Variant summary: TTN c.72505T>A (p.Cys24169Ser) results in a non-conservative amino acid change located in the A band region of the encoded protein sequence. Two of four in-silico tools predict a benign effect of the variant on protein function. The variant allele was found at a frequency of 2.4e-05 in 248610 control chromosomes (gnomAD). The available data on variant occurrences in the general population are insufficient to allow any conclusion about variant significance. c.72505T>A has been reported in the literature in individuals affected with Dilated Cardiomyopathy (examples: Liu_2017 and Yeh_2019). These report(s) do not provide unequivocal conclusions about association of the variant with Dilated Cardiomyopathy. To our knowledge, no experimental evidence demonstrating an impact on protein function has been reported. The following publications have been ascertained in the context of this evaluation (PMID: 28256248, 31879508). Two clinical diagnostic laboratories have submitted clinical-significance assessments for this variant to ClinVar after 2014 and classified the variant as likely benign, and as uncertain significance. Based on the evidence outlined above, the variant was classified as uncertain significance.

GeneDx
Classification: Likely benign. Last evaluated: 2018-06-18. Review status: criteria provided, single submitter. Criteria: GeneDx Variant Classification (06012015). Collection method: clinical testing. Allele origin: germline. Affected: yes.
Comment: This variant is considered likely benign or benign based on one or more of the following criteria: it is a conservative change, it occurs at a poorly conserved position in the protein, it is predicted to be benign by multiple in silico algorithms, and/or has population frequency not consistent with disease.

Ambry Genetics
Classification: Uncertain significance for Cardiovascular phenotype. Last evaluated: 2016-11-04. Review status: criteria provided, single submitter. Criteria: Ambry Variant Classification Scheme 2023. Collection method: clinical testing. Allele origin: germline.
Comment: The p.C17672S variant (also known as c.53014T>A), located in coding exon 153 of the TTN gene, results from a T to A substitution at nucleotide position 53014. The cysteine at codon 17672 is replaced by serine, an amino acid with dissimilar properties, and is located in the A-band region of the N2-B isoform of the titin protein. This variant was previously reported in the SNPDatabase as rs566764105. Based on data from gnomAD, the A allele has an overall frequency of less than 0.01% (7/281896) total alleles studied. The highest observed frequency was 0.037% (7/18872) of East Asian alleles. This amino acid position is highly conserved in available vertebrate species. In addition, the in silico prediction for this alteration is inconclusive. Since supporting evidence is limited at this time, the clinical significance of this alteration remains unclear.

Literature cited by the submitters: PubMed 31879508 (cited by Women's Health and Genetics/Laboratory Corporation of America, LabCorp); PubMed 28256248 (cited by Women's Health and Genetics/Laboratory Corporation of America, LabCorp).

NM_001267550.2(TTN):c.80209T>A (p.Cys26737Ser)

Genes: TTN (titin; minus strand), TTN-AS1 (TTN antisense RNA 1; plus strand). Cytogenetic location: 2q31.2.
Variant type: single nucleotide variant.
Coding change: c.80209T>A on transcript NM_001267550.2 (MANE Select); coding-DNA position 80209, T replaced by A.
Protein change: p.Cys26737Ser; replaces cysteine 26737 with serine.
Molecular consequence: missense variant.
Genome position (GRCh38, 1-based): chr2:178,565,923, A>T on the plus strand (T>A on the coding strand, the complement: TTN is on the minus strand). VCF-style: chr2-178565923-A-T. GRCh37 (hg19) VCF-style: chr2-179430650-A-T.
Other names: c.75286T>A, p.Cys25096Ser (NM_001256850.1); c.53014T>A, p.Cys17672Ser (NM_003319.4); c.72505T>A, p.Cys24169Ser (NM_133378.4); c.53389T>A, p.Cys17797Ser (NM_133432.3); c.53590T>A, p.Cys17864Ser (NM_133437.4); short protein forms C17672S, C26737S, C17797S, C24169S, C25096S, C17864S.
Identifiers: ClinVar variation 518585 (VCV000518585.7), dbSNP rs566764105, ClinGen allele CA1989377.